The following is an entry in ClinVar:

NM_003072.5(SMARCA4):c.4305C>T (p.Asp1435=)

Gene: SMARCA4 (SWI/SNF related BAF chromatin remodeling complex subunit ATPase 4; plus strand). Cytogenetic location: 19p13.2.
Variant type: single nucleotide variant.
Coding change: c.4305C>T on transcript NM_003072.5 (MANE Select); coding-DNA position 4305, C replaced by T.
Protein change: p.Asp1435=; no amino-acid change (aspartic acid 1435 retained).
Molecular consequence: synonymous variant. On other transcripts: non-coding transcript variant (1).
Genome position (GRCh38, 1-based): chr19:11,041,441, C>T. VCF-style: chr19-11041441-C-T. GRCh37 (hg19) VCF-style: chr19-11152117-C-T.
Other names: c.4305C>T, p.Asp1435= (NM_001128844.3); c.4215C>T, p.Asp1405= (NM_001128845.2, NM_001128846.2); c.4206C>T, p.Asp1402= (NM_001128847.4, NM_001128848.2, NM_001374457.1); c.4401C>T, p.Asp1467= (NM_001128849.3, NM_001387283.1).
Identifiers: ClinVar variation 480649 (VCV000480649.19), dbSNP rs771071300, ClinGen allele CA9204699.

ClinVar aggregate classification (germline): Benign/Likely benign. Review status: criteria provided, multiple submitters, no conflicts (2 of 4 stars). 4 submissions from 4 submitters: Benign (1); Likely benign (3). Last evaluated 2026-07-16.

Conditions:
Rhabdoid tumor predisposition syndrome 2 (RTPS2). Identifiers: Orphanet 231108, Orphanet 69077, MedGen C2750074, MONDO:0013224, OMIM 613325.
Hereditary cancer-predisposing syndrome. Also called: Tumor predisposition; Neoplastic Syndromes, Hereditary; Hereditary Cancer Syndrome; Hereditary neoplastic syndrome. Identifiers: Orphanet 140162, MedGen C0027672, MeSH D009386, MONDO:0015356.

Allele frequency attached by ClinVar (database versions not stated): TOPMed 0.00001; ExAC 0.00002; gnomAD 0.00001; gnomAD exomes 0.00001.
gnomAD v4.1: 11 of 1,612,480 alleles (0.00068%); highest among the groups gnomAD compares: African/African-American, 0.0027%; no homozygotes.

Submissions (4):

Myriad Genetics, Inc.
Classification: Benign for Rhabdoid tumor predisposition syndrome 2. Last evaluated: 2026-07-16. Review status: criteria provided, single submitter. Criteria: Myriad Autosomal Dominant, Autosomal Recessive and X-Linked Classification Criteria (2023). Collection method: clinical testing. Allele origin: unknown.
Comment: This variant is considered benign. This variant is a silent/synonymous amino acid change and it is not expected to impact splicing.

Labcorp Genetics (formerly Invitae), Labcorp
Classification: Likely benign for Rhabdoid tumor predisposition syndrome 2. Last evaluated: 2026-01-12. Review status: criteria provided, single submitter. Criteria: Invitae Variant Classification Sherloc (09022015). Collection method: clinical testing. Allele origin: germline.

Women's Health and Genetics/Laboratory Corporation of America, LabCorp
Classification: Likely benign. Last evaluated: 2025-04-10. Review status: criteria provided, single submitter. Criteria: LabCorp Variant Classification Summary - May 2015. Collection method: clinical testing. Allele origin: germline.

Ambry Genetics
Classification: Likely benign for Hereditary cancer-predisposing syndrome. Last evaluated: 2016-08-25. Review status: criteria provided, single submitter. Criteria: Ambry Variant Classification Scheme 2023. Collection method: clinical testing. Allele origin: germline.